The following is an entry in ClinVar:

NM_001360016.2(G6PD):c.1420C>G (p.Leu474Val)

Gene: G6PD (glucose-6-phosphate dehydrogenase; minus strand). Cytogenetic location: Xq28.
Variant type: single nucleotide variant.
Coding change: c.1420C>G on transcript NM_001360016.2 (MANE Select); coding-DNA position 1420, C replaced by G.
Protein change: p.Leu474Val; replaces leucine 474 with valine.
Molecular consequence: missense variant.
Genome position (GRCh38, 1-based): chrX:154,532,225, G>C on the plus strand (C>G on the coding strand, the complement: G6PD is on the minus strand). VCF-style: chrX-154532225-G-C. GRCh37 (hg19) VCF-style: chrX-153760440-G-C.
Other names: c.1510C>G, p.Leu504Val (NM_000402.4); c.1420C>G, p.Leu474Val (NM_001042351.3); short protein forms L474V, L504V.
Identifiers: ClinVar variation 1478217 (VCV001478217.10), dbSNP rs2148328385, ClinGen allele CA415232449.
Genomic context (GRCh38, chrX:154,532,225, plus strand): 5'-CCCAGCCCCCACCCTTTCCTCACCTGCCATAAATATAGGGGATGGGCTTGGGCTTCTCCA[G>C]CTCAATCTGGTGCAGCAGTGGGGTGAAAATACGCCAGGCCTCACGGAGCTCGTCGCTGAG-3'
Protein context (NP_001346945.1, residues 464-484): IFTPLLHQIE[Leu474Val]EKPKPIPYIY

ClinVar aggregate classification (germline): Uncertain significance. Review status: criteria provided, multiple submitters, no conflicts (2 of 4 stars). 2 submissions from 2 submitters: Uncertain significance (2). Last evaluated 2024-08-05.

Conditions:
Anemia, nonspherocytic hemolytic, due to G6PD deficiency (CNSHA1). Also called: ANEMIA, CONGENITAL, NONSPHEROCYTIC HEMOLYTIC, 1; Hemolytic anemia due to G6PD deficiency; Class I glucose-6-phosphate dehydrogenase deficiency; Favism, susceptibility to. Identifiers: Orphanet 466026, MedGen C2720289, MONDO:0010480, OMIM 300908.

Submissions (2):

Labcorp Genetics (formerly Invitae), Labcorp
Classification: Uncertain significance for Anemia, nonspherocytic hemolytic, due to G6PD deficiency. Last evaluated: 2024-08-05. Review status: criteria provided, single submitter. Criteria: Invitae Variant Classification Sherloc (09022015). Collection method: clinical testing. Allele origin: germline.
Comment: This sequence change replaces leucine, which is neutral and non-polar, with valine, which is neutral and non-polar, at codon 474 of the G6PD protein (p.Leu474Val). This variant is not present in population databases (gnomAD no frequency). This variant has not been reported in the literature in individuals affected with G6PD-related conditions. ClinVar contains an entry for this variant (Variation ID: 1478217). Advanced modeling of protein sequence and biophysical properties (such as structural, functional, and spatial information, amino acid conservation, physicochemical variation, residue mobility, and thermodynamic stability) performed at Invitae indicates that this missense variant is not expected to disrupt G6PD protein function with a negative predictive value of 80%. In summary, the available evidence is currently insufficient to determine the role of this variant in disease. Therefore, it has been classified as a Variant of Uncertain Significance.

Revvity Omics, Revvity
Classification: Uncertain significance for Anemia, nonspherocytic hemolytic, due to G6PD deficiency. Last evaluated: 2022-11-27. Review status: criteria provided, single submitter. Criteria: ACMG Guidelines, 2015. Collection method: clinical testing. Allele origin: germline.